The following is an entry in ClinVar:

ClinVar aggregate classification (germline): Uncertain significance (1 of 4 stars; one submission).

Conditions:
Spondylocostal dysostosis 3, autosomal recessive (SCDO3). Also called: LFNG-Related Spondylocostal Dysostosis, Autosomal Recessive. Identifiers: Orphanet 2311, MedGen C1853296, MONDO:0012349, OMIM 609813.

Allele frequency attached by ClinVar (database versions not stated): ExAC 0.00002; gnomAD 0.00005 and 0.00006; gnomAD exomes 0.00005 and 0.00006; TOPMed 0.00008.
gnomAD v4.1: 79 of 1,612,798 alleles (0.0049%); highest among the groups gnomAD compares: Admixed American, 0.023%; 1 homozygote.

Submission:

Labcorp Genetics (formerly Invitae), Labcorp
Classification: Uncertain significance for Spondylocostal dysostosis 3, autosomal recessive. Last evaluated: 2020-11-10. Review status: criteria provided, single submitter. Criteria: Invitae Variant Classification Sherloc (09022015). Collection method: clinical testing. Allele origin: germline.
Comment: In summary, the available evidence is currently insufficient to determine the role of this variant in disease. Therefore, it has been classified as a Variant of Uncertain Significance. This sequence change replaces arginine with cysteine at codon 375 of the LFNG protein (p.Arg375Cys). The arginine residue is weakly conserved and there is a large physicochemical difference between arginine and cysteine. This variant is present in population databases (rs746683505, ExAC 0.01%). This variant has not been reported in the literature in individuals with LFNG-related conditions. Algorithms developed to predict the effect of missense changes on protein structure and function are either unavailable or do not agree on the potential impact of this missense change (SIFT: "Deleterious"; PolyPhen-2: "Possibly Damaging"; Align-GVGD: "Class C0").

NM_001040167.2(LFNG):c.1123C>T (p.Arg375Cys)

Gene: LFNG (LFNG O-fucosylpeptide 3-beta-N-acetylglucosaminyltransferase; plus strand). Cytogenetic location: 7p22.3.
Variant type: single nucleotide variant.
Coding change: c.1123C>T on transcript NM_001040167.2 (MANE Select); coding-DNA position 1123, C replaced by T.
Protein change: p.Arg375Cys; replaces arginine 375 with cysteine.
Molecular consequence: missense variant. On other transcripts: intron variant (1).
Genome position (GRCh38, 1-based): chr7:2,527,195, C>T. VCF-style: chr7-2527195-C-T. GRCh37 (hg19) VCF-style: chr7-2566829-C-T.
Other names: c.910C>T, p.Arg304Cys (NM_001166355.2); c.736C>T, p.Arg246Cys (NM_002304.3); c.1073+274C>T (NM_001040168.2); short protein forms R246C, R304C, R375C.
Identifiers: ClinVar variation 1431473 (VCV001431473.7), dbSNP rs746683505, ClinGen allele CA4127325.